The following is an entry in ClinVar:

ClinVar aggregate classification (germline): Uncertain significance (1 of 4 stars; one submission).

Submission:

GeneDx
Classification: Uncertain significance. Last evaluated: 2025-04-17. Review status: criteria provided, single submitter. Criteria: GeneDx Variant Classification Process June 2021. Collection method: clinical testing. Allele origin: germline. Affected: yes.
Comment: Not observed at significant frequency in large population cohorts (gnomAD); In silico analysis indicates that this missense variant does not alter protein structure/function; Has not been previously published as pathogenic or benign to our knowledge

NM_001371727.1(GABRB2):c.178G>A (p.Val60Met)

Gene: GABRB2 (gamma-aminobutyric acid type A receptor subunit beta2; minus strand). Cytogenetic location: 5q34.
Variant type: single nucleotide variant.
Coding change: c.178G>A on transcript NM_001371727.1 (MANE Select); coding-DNA position 178, G replaced by A.
Protein change: p.Val60Met; replaces valine 60 with methionine.
Molecular consequence: missense variant.
Genome position (GRCh38, 1-based): chr5:161,545,286, C>T on the plus strand (G>A on the coding strand, the complement: GABRB2 is on the minus strand). VCF-style: chr5-161545286-C-T. GRCh37 (hg19) VCF-style: chr5-160972292-C-T.
Other names: c.178G>A, p.Val60Met (NM_000813.3, NM_021911.3); short protein forms V60M.
Identifiers: ClinVar variation 4282306 (VCV004282306.1).